The following is an entry in ClinVar:

ClinVar aggregate classification (germline): Uncertain significance (1 of 4 stars; one submission).

Conditions:
Werner syndrome (WRN). Identifiers: Orphanet 902, MedGen C0043119, MONDO:0010196, OMIM 277700.

Submission:

Labcorp Genetics (formerly Invitae), Labcorp
Classification: Uncertain significance for Werner syndrome. Last evaluated: 2024-05-27. Review status: criteria provided, single submitter. Criteria: Invitae Variant Classification Sherloc (09022015). Collection method: clinical testing. Allele origin: germline.
Comment: This sequence change replaces isoleucine, which is neutral and non-polar, with threonine, which is neutral and polar, at codon 822 of the WRN protein (p.Ile822Thr). This variant is not present in population databases (gnomAD no frequency). This variant has not been reported in the literature in individuals affected with WRN-related conditions. An algorithm developed to predict the effect of missense changes on protein structure and function (PolyPhen-2) suggests that this variant is likely to be disruptive. In summary, the available evidence is currently insufficient to determine the role of this variant in disease. Therefore, it has been classified as a Variant of Uncertain Significance.

NM_000553.6(WRN):c.2465T>C (p.Ile822Thr)

Gene: WRN (WRN RecQ like helicase; plus strand). Cytogenetic location: 8p12.
Variant type: single nucleotide variant.
Coding change: c.2465T>C on transcript NM_000553.6 (MANE Select); coding-DNA position 2465, T replaced by C.
Protein change: p.Ile822Thr; replaces isoleucine 822 with threonine.
Molecular consequence: missense variant.
Genome position (GRCh38, 1-based): chr8:31,120,259, T>C. VCF-style: chr8-31120259-T-C. GRCh37 (hg19) VCF-style: chr8-30977775-T-C.
Other names: short protein forms I822T.
Identifiers: ClinVar variation 3654753 (VCV003654753.2).